The following is an entry in ClinVar:

NM_001458.5(FLNC):c.1274A>C (p.Glu425Ala)

Gene: FLNC (filamin C; plus strand). Cytogenetic location: 7q32.1.
Variant type: single nucleotide variant.
Coding change: c.1274A>C on transcript NM_001458.5 (MANE Select); coding-DNA position 1274, A replaced by C.
Protein change: p.Glu425Ala; replaces glutamic acid 425 with alanine.
Molecular consequence: missense variant.
Genome position (GRCh38, 1-based): chr7:128,838,666, A>C. VCF-style: chr7-128838666-A-C. GRCh37 (hg19) VCF-style: chr7-128478720-A-C.
Other names: c.1274A>C, p.Glu425Ala (NM_001127487.2); short protein forms E425A.
Identifiers: ClinVar variation 4685137 (VCV004685137.1).

ClinVar aggregate classification (germline): Uncertain significance (1 of 4 stars; one submission).

Submission:

GeneDx
Classification: Uncertain significance. Last evaluated: 2025-06-30. Review status: criteria provided, single submitter. Criteria: GeneDx Variant Classification Process June 2021. Collection method: clinical testing. Allele origin: germline. Affected: yes.
Comment: Not observed at significant frequency in large population cohorts (gnomAD); In silico analysis supports that this missense variant has a deleterious effect on protein structure/function; Has not been previously published as pathogenic or benign to our knowledge